The following is an entry in ClinVar:

ClinVar aggregate classification (germline): Pathogenic (1 of 4 stars; one submission).

Conditions:
Maple syrup urine disease type 2 (MSUD2). Also called: Maple syrup urine disease, type II. Identifiers: MedGen C1855371, MONDO:0023693, OMIM 620699.

Submission:

Greenwood Genetic Center Diagnostic Laboratories, Greenwood Genetic Center
Classification: Pathogenic for Maple syrup urine disease type 2. Last evaluated: 2026-04-30. Review status: criteria provided, single submitter. Criteria: ACMG Guidelines, 2015. Collection method: clinical testing. Allele origin: germline. Affected: yes.
Comment: PS3, PM3_Strong

NM_001918.5(DBT):c.434-3125_434-10del

Gene: DBT (dihydrolipoamide branched chain transacylase E2; minus strand). Cytogenetic location: 1p21.2.
Variant type: Deletion.
Coding change: c.434-3125_434-10del on transcript NM_001918.5 (MANE Select); 3125 bases into the intron before coding-DNA position 434 through 10 bases into the intron before coding-DNA position 434, 3,116 bases deleted.
Molecular consequence: intron variant.
Genome position (GRCh38, 1-based): chr1:100,218,757-100,221,872, 3,116 bases deleted. GRCh37 (hg19): chr1:100,684,318-100,687,433.
Other names: c.-110-3125_-110-10del (NM_001399972.1, NM_001399969.1).
Identifiers: ClinVar variation 4891053 (VCV004891053.1).